The following is an entry in ClinVar:

NM_020937.4(FANCM):c.5581A>C (p.Met1861Leu)

Gene: FANCM (FA complementation group M; plus strand). Cytogenetic location: 14q21.2.
Variant type: single nucleotide variant.
Coding change: c.5581A>C on transcript NM_020937.4 (MANE Select); coding-DNA position 5581, A replaced by C.
Protein change: p.Met1861Leu; replaces methionine 1861 with leucine.
Molecular consequence: missense variant.
Genome position (GRCh38, 1-based): chr14:45,196,412, A>C. VCF-style: chr14-45196412-A-C. GRCh37 (hg19) VCF-style: chr14-45665615-A-C.
Other names: c.5503A>C, p.Met1835Leu (NM_001308133.2); short protein forms M1835L, M1861L.
Identifiers: ClinVar variation 4841770 (VCV004841770.1).

ClinVar aggregate classification (germline): Uncertain significance (1 of 4 stars; one submission).

Conditions:
Inborn genetic diseases. Identifiers: MedGen C0950123, MeSH D030342.

Submission:

Ambry Genetics
Classification: Uncertain significance for Inborn genetic diseases. Last evaluated: 2026-01-12. Review status: criteria provided, single submitter. Criteria: Ambry Variant Classification Scheme 2023. Collection method: clinical testing. Allele origin: germline.
Comment: The p.M1861L variant (also known as c.5581A>C), located in coding exon 21 of the FANCM gene, results from an A to C substitution at nucleotide position 5581. The methionine at codon 1861 is replaced by leucine, an amino acid with highly similar properties. This amino acid position is conserved. In addition, this alteration is predicted to be tolerated by in silico analysis. Based on the available evidence, the clinical significance of this variant remains unclear.